The following is an entry in ClinVar:

ClinVar aggregate classification (germline): Likely pathogenic (1 of 4 stars; one submission).

Conditions:
Arrhythmogenic cardiomyopathy with wooly hair and keratoderma. Also called: PALMOPLANTAR KERATODERMA WITH LEFT VENTRICULAR CARDIOMYOPATHY AND WOOLLY HAIR; Carvajal syndrome; Dilated cardiomyopathy with woolly hair and keratoderma; Arrhythmogenic cardiomyopathy with woolly hair and keratoderma. Identifiers: Orphanet 65282, MedGen C1854063, MONDO:0011581, OMIM 605676.
Arrhythmogenic right ventricular dysplasia 8 (ARVD8). Also called: Arrhythmogenic Right Ventricular Dysplasia/Cardiomyopathy 8; ARRHYTHMOGENIC RIGHT VENTRICULAR DYSPLASIA, FAMILIAL, 8; ARRHYTHMOGENIC RIGHT VENTRICULAR CARDIOMYOPATHY 8. Identifiers: MedGen C1843896, MONDO:0011831, OMIM 607450.

Submission:

Labcorp Genetics (formerly Invitae), Labcorp
Classification: Likely pathogenic for Arrhythmogenic cardiomyopathy with wooly hair and keratoderma; Arrhythmogenic right ventricular dysplasia 8. Last evaluated: 2024-08-21. Review status: criteria provided, single submitter. Criteria: Invitae Variant Classification Sherloc (09022015). Collection method: clinical testing. Allele origin: germline.
Comment: This sequence change affects a splice site in intron 1 of the DSP gene. It is expected to disrupt RNA splicing. Variants that disrupt the donor or acceptor splice site typically lead to a loss of protein function (PMID: 16199547), and loss-of-function variants in DSP are known to be pathogenic (PMID: 20716751, 24503780, 25227139). This variant is not present in population databases (gnomAD no frequency). This variant has not been reported in the literature in individuals affected with DSP-related conditions. In summary, the currently available evidence indicates that the variant is pathogenic, but additional data are needed to prove that conclusively. Therefore, this variant has been classified as Likely Pathogenic.

Literature cited by the submitters: PubMed 16199547; PubMed 20716751; PubMed 24503780; PubMed 25227139.

NM_004415.4(DSP):c.170+1dup

Genes: DSP (desmoplakin; plus strand), DSP-AS1 (DSP antisense RNA 1; minus strand). Cytogenetic location: 6p24.3.
Variant type: Duplication.
Coding change: c.170+1dup on transcript NM_004415.4 (MANE Select); the canonical splice donor site of the intron after coding-DNA position 170, one base duplicated (G; older notation c.170+1dupG).
Molecular consequence: splice donor variant.
Genome position (GRCh38, 1-based): chr6:7,542,086, G duplicated; the last of 2 consecutive G bases (chr6:7,542,085-7,542,086); duplicating either gives the same sequence. VCF-style (leftmost placement, unchanged base first): chr6-7542084-T-TG. GRCh37 (hg19) VCF-style: chr6-7542317-T-TG.
Other names: c.170+1dup (NM_001319034.2, NM_001008844.3, NM_001406591.1).
Identifiers: ClinVar variation 3757780 (VCV003757780.2).
Genomic context (GRCh38, chr6:7,542,084, plus strand): 5'-ACCAGCAGGATGTACTATTCTCGGCGCGGCGTGATCACCGACCAGAACTCGGACGGCTAC[T>TG]GGTGGGTACCTGCCCGGAGAGCGCGGGCTGCGGGGCTCGCGGGACAGGGAGGGACCGTCC-3'